The following is an entry in ClinVar:

NM_013275.6(ANKRD11):c.7806+4G>T

Gene: ANKRD11 (ankyrin repeat domain 11; minus strand). Cytogenetic location: 16q24.3.
Variant type: single nucleotide variant.
Coding change: c.7806+4G>T on transcript NM_013275.6 (MANE Select); 4 bases into the intron after coding-DNA position 7806, G replaced by T.
Molecular consequence: intron variant.
Genome position (GRCh38, 1-based): chr16:89,270,813, C>A on the plus strand (G>T on the coding strand, the complement: ANKRD11 is on the minus strand). VCF-style: chr16-89270813-C-A. GRCh37 (hg19) VCF-style: chr16-89337221-C-A.
Other names: c.7806+4G>T (NM_001256183.2, NM_001256182.2).
Identifiers: ClinVar variation 4685700 (VCV004685700.2).

ClinVar aggregate classification (germline): Uncertain significance. Review status: criteria provided, multiple submitters, no conflicts (2 of 4 stars). 2 submissions from 2 submitters: Uncertain significance (2). Last evaluated 2025-11-03.

Conditions:
KBG syndrome (KBGS). Also called: ANKRD11-Related KBG Syndrome. Identifiers: Orphanet 2332, MedGen C0220687, MONDO:0007846, OMIM 148050.

Submissions (2):

Labcorp Genetics (formerly Invitae), Labcorp
Classification: Uncertain significance for KBG syndrome. Last evaluated: 2025-11-03. Review status: criteria provided, single submitter. Criteria: Invitae Variant Classification Sherloc (09022015). Collection method: clinical testing. Allele origin: germline.
Comment: This sequence change falls in intron 12 of the ANKRD11 gene. It does not directly change the encoded amino acid sequence of the ANKRD11 protein. It affects a nucleotide within the consensus splice site. This variant is present in population databases (rs373180876, gnomAD 0.004%). This variant has not been reported in the literature in individuals affected with ANKRD11-related conditions. Variants that disrupt the consensus splice site are a relatively common cause of aberrant splicing (PMID: 17576681, 9536098). Algorithms developed to predict the effect of sequence changes on RNA splicing suggest that this variant is not likely to affect RNA splicing. In summary, the available evidence is currently insufficient to determine the role of this variant in disease. Therefore, it has been classified as a Variant of Uncertain Significance.

ARUP Laboratories, Molecular Genetics and Genomics, ARUP Laboratories
Classification: Uncertain significance for KBG syndrome. Last evaluated: 2025-03-17. Review status: criteria provided, single submitter. Criteria: ARUP Molecular Germline Variant Investigation Process 2024. Collection method: clinical testing. Allele origin: germline.

Literature cited by the submitters: PubMed 17576681 (cited by Labcorp Genetics (formerly Invitae), Labcorp); PubMed 9536098 (cited by Labcorp Genetics (formerly Invitae), Labcorp).